The following is an entry in ClinVar:

NM_021629.4(GNB4):c.1012A>C (p.Ile338Leu)

Gene: GNB4 (G protein subunit beta 4; minus strand). Cytogenetic location: 3q26.33.
Variant type: single nucleotide variant.
Coding change: c.1012A>C on transcript NM_021629.4 (MANE Select); coding-DNA position 1012, A replaced by C.
Protein change: p.Ile338Leu; replaces isoleucine 338 with leucine.
Molecular consequence: missense variant.
Genome position (GRCh38, 1-based): chr3:179,401,224, T>G on the plus strand (A>C on the coding strand, the complement: GNB4 is on the minus strand). VCF-style: chr3-179401224-T-G. GRCh37 (hg19) VCF-style: chr3-179119012-T-G.
Other names: short protein forms I338L.
Identifiers: ClinVar variation 4996377 (VCV004996377.1).

ClinVar aggregate classification (germline): Uncertain significance (1 of 4 stars; one submission).

Conditions:
GNB4-related disorder. Also called: GNB4-related condition.

gnomAD v4.1: 3 of 1,611,392 alleles (0.00019%); highest among the groups gnomAD compares: South Asian, 0.0033%; no homozygotes.

Submission:

PreventionGenetics, part of Exact Sciences
Classification: Uncertain significance for GNB4-related condition. Last evaluated: 2026-07-19. Review status: criteria provided, single submitter. Criteria: ACMG Guidelines, 2015. Collection method: clinical testing. Allele origin: germline.
Comment: The GNB4 c.1012A>C variant is predicted to result in the amino acid substitution p.Ile338Leu. To our knowledge, this variant has not been reported in the literature. This variant is reported in 0.0066% of alleles in individuals of South Asian descent in gnomAD. At this time, the clinical significance of this variant is uncertain due to the absence of conclusive functional and genetic evidence.